The following is an entry in ClinVar:

NM_000384.3(APOB):c.3594C>T (p.Ser1198=)

Gene: APOB (apolipoprotein B; minus strand). Cytogenetic location: 2p24.1.
Variant type: single nucleotide variant.
Coding change: c.3594C>T on transcript NM_000384.3 (MANE Select); coding-DNA position 3594, C replaced by T.
Protein change: p.Ser1198=; no amino-acid change (serine 1198 retained).
Molecular consequence: synonymous variant.
Genome position (GRCh38, 1-based): chr2:21,015,175, G>A on the plus strand (C>T on the coding strand, the complement: APOB is on the minus strand). VCF-style: chr2-21015175-G-A. GRCh37 (hg19) VCF-style: chr2-21238047-G-A.
Identifiers: ClinVar variation 925765 (VCV000925765.21), dbSNP rs138243977, ClinGen allele CA059205.

ClinVar aggregate classification (germline): Likely benign. Review status: criteria provided, multiple submitters, no conflicts (2 of 4 stars). 6 submissions from 6 submitters: Likely benign (5). 1 of the submissions does not count toward it. Last evaluated 2025-11-08.

Conditions:
Hypercholesterolemia, autosomal dominant, type B (FHCL2). Also called: Familial Hypercholesterolemia Type B; Hyperlipoproteinemia Type IIb; APOB-Related Familial Hypercholesterolemia, Autosomal Dominant; Familial hypercholesterolemia 2; HYPERCHOLESTEROLEMIA, FAMILIAL, DUE TO LIGAND-DEFECTIVE APOLIPOPROTEIN B; APOLIPOPROTEIN B-100, FAMILIAL DEFECTIVE. Identifiers: MedGen C1704417, MONDO:0007751, OMIM 144010.
Familial hypobetalipoproteinemia 1. Also called: Hypobetalipoproteinemia, normotriglyceridemic; Acanthocytosis with hypobetalipoproteinemia; APOB-Related Familial Hypobetalipoproteinemia. Identifiers: MedGen C4551990, MONDO:0014252, OMIM 615558.
APOB-related disorder. Also called: APOB-related condition; APOB-related disorders.
Cardiovascular phenotype. Identifiers: MedGen CN230736.
Familial hypercholesterolemia. Also called: Familial hypercholesterolemias; Familial hypercholesterolaemia. Identifiers: MedGen C0020445, MONDO:0005439.

Allele frequency attached by ClinVar (database versions not stated): gnomAD exomes 0.00001 and 0.00002; ExAC 0.00004; gnomAD 0.00005 and 0.00006; ESP Exome Variant Server 0.00008; TOPMed 0.00008; 1000 Genomes Project 30x 0.00016; 1000 Genomes Project 0.00020.
gnomAD v4.1: 30 of 1,614,078 alleles (0.0019%); highest among the groups gnomAD compares: Middle Eastern, 0.049%; no homozygotes.

Submissions (6):

Labcorp Genetics (formerly Invitae), Labcorp
Classification: Likely benign for Familial hypobetalipoproteinemia 1; Hypercholesterolemia, autosomal dominant, type B. Last evaluated: 2025-11-08. Review status: criteria provided, single submitter. Criteria: Invitae Variant Classification Sherloc (09022015). Collection method: clinical testing. Allele origin: germline.

CeGaT Center for Human Genetics Tuebingen
Classification: Likely benign. Last evaluated: 2025-11-01. Review status: criteria provided, single submitter. Criteria: CeGaT Center For Human Genetics Tuebingen Variant Classification Criteria Version 2. Collection method: clinical testing. Allele origin: germline. Affected: yes. Observed: 1 variant allele.
Comment: APOB: BP4, BP7

GENinCode PLC
Classification: Likely benign for Familial hypercholesterolemia. Last evaluated: 2025-01-22. Review status: criteria provided, single submitter. Criteria: ACMG Guidelines, 2015. Collection method: clinical testing. Allele origin: germline.
Comment: This is a synonymous (silent) variant that is not predicted to impact splicing and occurs at a nucleotide which is not highly conserved. This variant has been classified as Likely Benign (BP4, BP7).

Blueprint Genetics
Classification: Likely benign. Last evaluated: 2024-05-08. Review status: criteria provided, single submitter. Criteria: ACMG Guidelines, 2015. Collection method: clinical testing. Allele origin: germline.

Ambry Genetics
Classification: Likely benign for Cardiovascular phenotype. Last evaluated: 2022-11-27. Review status: criteria provided, single submitter. Criteria: Ambry Variant Classification Scheme 2023. Collection method: clinical testing. Allele origin: germline.

PreventionGenetics, part of Exact Sciences
Classification: Likely benign for APOB-related condition. Last evaluated: 2019-03-22. Review status: no assertion criteria provided. Collection method: clinical testing. Allele origin: germline. Not counted in ClinVar's aggregate classification.
Comment: This variant is classified as likely benign based on ACMG/AMP sequence variant interpretation guidelines (Richards et al. 2015 PMID: 25741868, with internal and published modifications).